The following is an entry in ClinVar:

ClinVar aggregate classification (germline): Uncertain significance. Review status: criteria provided, multiple submitters, no conflicts (2 of 4 stars). 2 submissions from 2 submitters: Uncertain significance (2). Last evaluated 2025-08-26.

Allele frequency attached by ClinVar (database versions not stated): ESP Exome Variant Server 0.00008; ExAC 0.00002; gnomAD exomes 0.00003.
gnomAD v4.1: 50 of 1,614,038 alleles (0.0031%); highest among the groups gnomAD compares: Non-Finnish European, 0.0037%; no homozygotes.

Submissions (2):

Mayo Clinic Laboratories, Mayo Clinic
Classification: Uncertain significance. Last evaluated: 2025-08-26. Review status: criteria provided, single submitter. Criteria: ACMG Guidelines, 2015. Collection method: clinical testing. Allele origin: germline. Observed: 1 variant allele.
Comment: PM2_supporting

Labcorp Genetics (formerly Invitae), Labcorp
Classification: Uncertain significance. Last evaluated: 2021-08-24. Review status: criteria provided, single submitter. Criteria: Invitae Variant Classification Sherloc (09022015). Collection method: clinical testing. Allele origin: germline.
Comment: This sequence change replaces serine with phenylalanine at codon 96 of the ALAD protein (p.Ser96Phe). The serine residue is moderately conserved and there is a large physicochemical difference between serine and phenylalanine. This variant is present in population databases (rs373330887, ExAC 0.005%). This variant has not been reported in the literature in individuals affected with ALAD-related conditions. Algorithms developed to predict the effect of missense changes on protein structure and function are either unavailable or do not agree on the potential impact of this missense change (SIFT: "Deleterious"; PolyPhen-2: "Possibly Damaging"; Align-GVGD: "Class C15"). In summary, the available evidence is currently insufficient to determine the role of this variant in disease. Therefore, it has been classified as a Variant of Uncertain Significance.

Literature cited by the submitters: PubMed 39267094 (cited by Mayo Clinic Laboratories, Mayo Clinic).

NM_000031.6(ALAD):c.287C>T (p.Ser96Phe)

Gene: ALAD (aminolevulinate dehydratase; minus strand). Cytogenetic location: 9q32.
Variant type: single nucleotide variant.
Coding change: c.287C>T on transcript NM_000031.6 (MANE Select); coding-DNA position 287, C replaced by T.
Protein change: p.Ser96Phe; replaces serine 96 with phenylalanine.
Molecular consequence: missense variant.
Genome position (GRCh38, 1-based): chr9:113,390,908, G>A on the plus strand (C>T on the coding strand, the complement: ALAD is on the minus strand). VCF-style: chr9-113390908-G-A. GRCh37 (hg19) VCF-style: chr9-116153188-G-A.
Other names: p.Ser96Phe; c.374C>T, p.Ser125Phe (NM_001003945.3); c.263C>T, p.Ser88Phe (NM_001317745.2); short protein forms S88F, S125F, S96F.
Identifiers: ClinVar variation 1409203 (VCV001409203.6), dbSNP rs373330887, ClinGen allele CA5196533.
Genomic context (GRCh38, chr9:113,390,908, plus strand): 5'-AGGAGGTTGGGGAAGGTCTTCCTCAACAGATGGATTGCCTCAATAGCTGGGGACTCCTCG[G>A]AGTCAGCTGCGGAACCCCGCTCGTCCTAGGGGCAGGGGAGGGACAAAGCAGTGTGTCTAT-3'
Protein context (NP_000022.3, residues 86-106): PKDERGSAAD[Ser96Phe]EESPAIEAIH